The following is an entry in ClinVar:

NM_001277115.2(DNAH11):c.7609C>T (p.Pro2537Ser)

Gene: DNAH11 (dynein axonemal heavy chain 11; plus strand). Cytogenetic location: 7p15.3.
Variant type: single nucleotide variant.
Coding change: c.7609C>T on transcript NM_001277115.2 (MANE Select); coding-DNA position 7609, C replaced by T.
Protein change: p.Pro2537Ser; replaces proline 2537 with serine.
Molecular consequence: missense variant.
Genome position (GRCh38, 1-based): chr7:21,735,808, C>T. VCF-style: chr7-21735808-C-T. GRCh37 (hg19) VCF-style: chr7-21775426-C-T.
Other names: short protein forms P2537S.
Identifiers: ClinVar variation 3898812 (VCV003898812.1).

ClinVar aggregate classification (germline): Uncertain significance (1 of 4 stars; one submission).

Submission:

GeneDx
Classification: Uncertain significance. Last evaluated: 2024-11-10. Review status: criteria provided, single submitter. Criteria: GeneDx Variant Classification Process June 2021. Collection method: clinical testing. Allele origin: germline. Affected: yes.
Comment: Not observed at significant frequency in large population cohorts (gnomAD); In silico analysis supports that this missense variant has a deleterious effect on protein structure/function; Has not been previously published as pathogenic or benign to our knowledge